The following is an entry in ClinVar:

ClinVar aggregate classification (germline): Uncertain significance (1 of 4 stars; one submission).

Conditions:
Cataract 30 (CTRCT30). Also called: CATARACT 30, PULVERULENT. Identifiers: Orphanet 91492, Orphanet 98984, Orphanet 98992, MedGen C3805411, MONDO:0007286, OMIM 116300.

Submission:

Labcorp Genetics (formerly Invitae), Labcorp
Classification: Uncertain significance for Cataract 30. Last evaluated: 2022-12-08. Review status: criteria provided, single submitter. Criteria: Invitae Variant Classification Sherloc (09022015). Collection method: clinical testing. Allele origin: germline.
Comment: In summary, the available evidence is currently insufficient to determine the role of this variant in disease. Therefore, it has been classified as a Variant of Uncertain Significance. Algorithms developed to predict the effect of missense changes on protein structure and function (SIFT, PolyPhen-2, Align-GVGD) all suggest that this variant is likely to be tolerated. This variant has not been reported in the literature in individuals affected with VIM-related conditions. This variant is not present in population databases (gnomAD no frequency). This sequence change replaces arginine, which is basic and polar, with glycine, which is neutral and non-polar, at codon 28 of the VIM protein (p.Arg28Gly).

NM_003380.5(VIM):c.82C>G (p.Arg28Gly)

Genes: VIM (vimentin; plus strand), VIM-AS1 (VIM antisense RNA 1; minus strand). Cytogenetic location: 10p13.
Variant type: single nucleotide variant.
Coding change: c.82C>G on transcript NM_003380.5 (MANE Select); coding-DNA position 82, C replaced by G.
Protein change: p.Arg28Gly; replaces arginine 28 with glycine.
Molecular consequence: missense variant. On other transcripts: non-coding transcript variant (1).
Genome position (GRCh38, 1-based): chr10:17,229,504, C>G. VCF-style: chr10-17229504-C-G. GRCh37 (hg19) VCF-style: chr10-17271503-C-G.
Other names: short protein forms R28G.
Identifiers: ClinVar variation 2872982 (VCV002872982.3), dbSNP rs1194887764, ClinGen allele CA376174915.